The following is an entry in ClinVar:

ClinVar aggregate classification (germline): Pathogenic (1 of 4 stars; one submission).

Conditions:
Duchenne muscular dystrophy (DMD). Also called: MUSCULAR DYSTROPHY, PSEUDOHYPERTROPHIC PROGRESSIVE, DUCHENNE TYPE; Duchenne Muscular Dystrophy (DMD). Identifiers: Orphanet 98896, MedGen C0013264, MONDO:0010679, OMIM 310200.

Submission:

Centro de Genética y Biología Molecular, Universidad de San Martín de Porres
Classification: Pathogenic for Duchenne muscular dystrophy. Review status: criteria provided, single submitter. Criteria: ACMG Guidelines, 2015. Collection method: clinical testing. Allele origin: germline. Inheritance: X-linked inheritance. Observed: 1 compound heterozygote.
Comment: The c.4840G>T variant has been reported in Leiden Open (source) Variation Database (LOVD) version 3.0 to be classified as pathogenic evidence.

NM_004006.3(DMD):c.4840G>T (p.Gly1614Ter)

Gene: DMD (dystrophin; minus strand). Cytogenetic location: Xp21.1.
Variant type: single nucleotide variant.
Coding change: c.4840G>T on transcript NM_004006.3 (MANE Select); coding-DNA position 4840, G replaced by T.
Protein change: p.Gly1614Ter; replaces glycine 1614 with a stop codon.
Molecular consequence: nonsense.
Genome position (GRCh38, 1-based): chrX:32,380,515, C>A on the plus strand (G>T on the coding strand, the complement: DMD is on the minus strand). VCF-style: chrX-32380515-C-A. GRCh37 (hg19) VCF-style: chrX-32398632-C-A.
Other names: c.4816G>T, p.Gly1606Ter (NM_000109.4); c.4828G>T, p.Gly1610Ter (NM_004009.3); c.4471G>T, p.Gly1491Ter (NM_004010.3); c.817G>T, p.Gly273Ter (NM_004011.4); c.808G>T, p.Gly270Ter (NM_004012.4); short protein forms G1491*, G1606*, G1610*, G1614*, G270*, G273*.
Identifiers: ClinVar variation 984427 (VCV000984427.3), dbSNP rs2097920506, ClinGen allele CA412660931.